The following is an entry in ClinVar:

ClinVar aggregate classification (germline): Pathogenic/Likely pathogenic. Review status: criteria provided, multiple submitters, no conflicts (2 of 4 stars). 2 submissions from 2 submitters: Pathogenic (1); Likely pathogenic (1). Last evaluated 2025-09-03.

Conditions:
Primary ciliary dyskinesia. Also called: Ciliary dyskinesia. Identifiers: Orphanet 244, MedGen C0008780, MONDO:0016575, HP:0012265.
RPGR-related disorder. Also called: RPGR-related condition.

Submissions (2):

Labcorp Genetics (formerly Invitae), Labcorp
Classification: Pathogenic for Primary ciliary dyskinesia. Last evaluated: 2025-09-03. Review status: criteria provided, single submitter. Criteria: Invitae Variant Classification Sherloc (09022015). Collection method: clinical testing. Allele origin: germline.
Comment: This sequence change affects a donor splice site in intron 6 of the RPGR gene. It is expected to disrupt RNA splicing. Variants that disrupt the donor or acceptor splice site typically lead to a loss of protein function (PMID: 16199547), and loss-of-function variants in RPGR are known to be pathogenic (PMID: 16055928, 16969763). This variant is not present in population databases (gnomAD no frequency). Disruption of this splice site has been observed in individuals with retinitis pigmentosa (PMID: 28157192, 32037395, 37854381). Algorithms developed to predict the effect of sequence changes on RNA splicing suggest that this variant may disrupt the consensus splice site. For these reasons, this variant has been classified as Pathogenic.

Blueprint Genetics
Classification: Likely pathogenic for RPGR-related disorders. Last evaluated: 2021-11-07. Review status: criteria provided, single submitter. Criteria: ACMG Guidelines, 2015. Collection method: clinical testing. Allele origin: germline. Affected: yes. Observed: 1 variant allele.

Literature cited by the submitters: PubMed 16199547 (cited by Labcorp Genetics (formerly Invitae), Labcorp); PubMed 16055928 (cited by Labcorp Genetics (formerly Invitae), Labcorp); PubMed 16969763 (cited by Labcorp Genetics (formerly Invitae), Labcorp); PubMed 28157192 (cited by Labcorp Genetics (formerly Invitae), Labcorp); PubMed 32037395 (cited by Labcorp Genetics (formerly Invitae), Labcorp); PubMed 37854381 (cited by Labcorp Genetics (formerly Invitae), Labcorp).

NM_001034853.2(RPGR):c.619+2T>C

Gene: RPGR (retinitis pigmentosa GTPase regulator; minus strand). Cytogenetic location: Xp11.4.
Variant type: single nucleotide variant.
Coding change: c.619+2T>C on transcript NM_001034853.2 (MANE Select); the canonical splice donor site of the intron after coding-DNA position 619, T replaced by C.
Molecular consequence: splice donor variant.
Genome position (GRCh38, 1-based): chrX:38,317,314, A>G on the plus strand (T>C on the coding strand, the complement: RPGR is on the minus strand). VCF-style: chrX-38317314-A-G. GRCh37 (hg19) VCF-style: chrX-38176567-A-G.
Other names: c.616+2T>C (NM_001367249.1); c.619+2T>C (NM_001367250.1, NM_001367245.1, NM_001367251.1 and 3 more transcripts); c.649+2T>C (NM_001367248.1).
Identifiers: ClinVar variation 4726602 (VCV004726602.2).